The following is an entry in ClinVar:

ClinVar aggregate classification (germline): Uncertain significance (1 of 4 stars; one submission).

Submission:

GeneDx
Classification: Uncertain significance. Last evaluated: 2024-09-26. Review status: criteria provided, single submitter. Criteria: GeneDx Variant Classification Process June 2021. Collection method: clinical testing. Allele origin: germline.
Comment: Not observed at significant frequency in large population cohorts (gnomAD); Frameshift variant predicted to result in protein truncation or nonsense mediated decay in a gene or region of a gene for which loss of function is not a well-established mechanism of disease; Has not been previously published as pathogenic or benign to our knowledge; Variants in candidate genes are classified as variants of uncertain significance in accordance with ACMG guidelines (PMID: 25741868)

NM_014921.5(ADGRL1):c.1313del (p.Pro438fs)

Genes: ADGRL1-AS1 (ADGRL1 antisense RNA 1; plus strand), ADGRL1 (adhesion G protein-coupled receptor L1; minus strand). Cytogenetic location: 19p13.12.
Variant type: Deletion.
Coding change: c.1313del on transcript NM_014921.5 (MANE Select); coding-DNA position 1313, one base deleted (C; older notation c.1313delC).
Protein change: p.Pro438fs; shifts the reading frame from proline 438.
Molecular consequence: frameshift variant.
Genome position (GRCh38, 1-based): chr19:14,161,509, G deleted on the plus strand (C on the coding strand, the reverse complement: ADGRL1 is on the minus strand); the first of 3 consecutive G bases (chr19:14,161,509-14,161,511); deleting any one gives the same sequence. VCF-style (leftmost placement, unchanged base first): chr19-14161508-TG-T. GRCh37 (hg19) VCF-style: chr19-14272320-TG-T.
Other names: c.1328del, p.Pro443fs (NM_001008701.3); short protein forms P438fs, P443fs.
Identifiers: ClinVar variation 4975053 (VCV004975053.1).